The following is an entry in ClinVar:

NM_000038.6(APC):c.3926A>G (p.Glu1309Gly)

Gene: APC (APC regulator of Wnt signaling pathway; plus strand). Cytogenetic location: 5q22.2.
Variant type: single nucleotide variant.
Coding change: c.3926A>G on transcript NM_000038.6 (MANE Select); coding-DNA position 3926, A replaced by G.
Protein change: p.Glu1309Gly; replaces glutamic acid 1309 with glycine.
Molecular consequence: missense variant.
Genome position (GRCh38, 1-based): chr5:112,839,520, A>G. VCF-style: chr5-112839520-A-G. GRCh37 (hg19) VCF-style: chr5-112175217-A-G.
Other names: c.3926A>G, p.Glu1309Gly (NM_001127510.3, NM_001354895.2); c.3872A>G, p.Glu1291Gly (NM_001127511.3); c.3980A>G, p.Glu1327Gly (NM_001354896.2); c.3956A>G, p.Glu1319Gly (NM_001354897.2); c.3851A>G, p.Glu1284Gly (NM_001354898.2); c.3842A>G, p.Glu1281Gly (NM_001354899.2); c.3803A>G, p.Glu1268Gly (NM_001354900.2); c.3749A>G, p.Glu1250Gly (NM_001354901.2); and 5 more; short protein forms E1291G, E1309G, E1183G, E1208G, E1284G, E1327G, E1026G, E1218G.
Identifiers: ClinVar variation 411508 (VCV000411508.11), dbSNP rs775060363, ClinGen allele CA16029948.

ClinVar aggregate classification (germline): Uncertain significance. Review status: criteria provided, multiple submitters, no conflicts (2 of 4 stars). 4 submissions from 4 submitters: Uncertain significance (4). Last evaluated 2024-12-02.

Conditions:
Familial adenomatous polyposis 1 (FAP1). Also called: FAMILIAL ADENOMATOUS POLYPOSIS 1, ATTENUATED; POLYPOSIS, ADENOMATOUS INTESTINAL. Identifiers: MedGen C2713442, MONDO:0021056, OMIM 175100. Disease mechanism: loss of function.
Hereditary cancer-predisposing syndrome. Also called: Tumor predisposition; Hereditary Cancer Syndrome; Hereditary neoplastic syndrome; Neoplastic Syndromes, Hereditary. Identifiers: Orphanet 140162, MedGen C0027672, MeSH D009386, MONDO:0015356.

Allele frequency attached by ClinVar (database versions not stated): gnomAD 0.00003.
gnomAD v4.1: 3 of 1,614,086 alleles (0.00019%); highest among the groups gnomAD compares: Non-Finnish European, 0.00025%; no homozygotes.

Submissions (4):

Ambry Genetics
Classification: Uncertain significance for Hereditary cancer-predisposing syndrome. Last evaluated: 2024-12-02. Review status: criteria provided, single submitter. Criteria: Ambry Variant Classification Scheme 2023. Collection method: clinical testing. Allele origin: germline.
Comment: The p.E1309G variant (also known as c.3926A>G), located in coding exon 15 of the APC gene, results from an A to G substitution at nucleotide position 3926. The glutamic acid at codon 1309 is replaced by glycine, an amino acid with similar properties. This variant was reported in an individual with features of juvenile polyposis, however only part of APC was sequenced, and in addition, no other polyposis genes were screened, and this variant failed to segregate with the phenotype in other affected family members (Kim JC et al. Am J Gastroenterol.1997 Oct;92(10):1913-5). This amino acid position is well conserved in available vertebrate species. Missense alterations in APC are not a common cause of disease (Spier I et al. Genet Med. 2024 Feb;26(2):100992). In addition, in silico predictors for this gene do not accurately predict pathogenicity. Based on the available evidence, the clinical significance of this variant remains unclear.

Labcorp Genetics (formerly Invitae), Labcorp
Classification: Uncertain significance for Familial adenomatous polyposis 1. Last evaluated: 2021-08-31. Review status: criteria provided, single submitter. Criteria: Invitae Variant Classification Sherloc (09022015). Collection method: clinical testing. Allele origin: germline.

Color Diagnostics, LLC DBA Color Health
Classification: Uncertain significance for Hereditary cancer-predisposing syndrome. Last evaluated: 2019-03-19. Review status: criteria provided, single submitter. Criteria: ACMG Guidelines, 2015. Collection method: clinical testing. Allele origin: germline.

GeneDx
Classification: Uncertain significance. Last evaluated: 2016-05-02. Review status: criteria provided, single submitter. Criteria: GeneDx Variant Classification (06012015). Collection method: clinical testing. Allele origin: germline. Affected: yes.
Comment: This variant is denoted APC c.3926A>G at the cDNA level, p.Glu1309Gly (E1309G) at the protein level, and results in the change of a Glutamic Acid to a Glycine (GAA>GGA). This variant was observed in a patient with juvenile polyposis (Kim 1997). APC Glu1309Gly was not observed in approximately 6,500 individuals of European and African American ancestry in the NHLBI Exome Sequencing Project, suggesting it is not a common benign variant in these populations. Since Glutamic Acid and Glycine differ in polarity, charge, size or other properties, this is considered a non-conservative amino acid substitution. APC Glu1309Gly occurs at a position that is not conserved and is located in the 20 amino acid repeat beta-catenin down-regulating domain and within the region responsible for down-regulation through a process mediated by direct ubiquitination (Azzopardi 2008, UniProt). In silico analyses predict that this variant is unlikely to alter protein structure or function. Based on currently available evidence, it is unclear whether APC Glu1309Gly is a pathogenic or benign variant. We consider it to be a variant of uncertain significance.